The following is an entry in ClinVar:

ClinVar aggregate classification (germline): Uncertain significance (1 of 4 stars; one submission).

Submission:

Dasa
Classification: Uncertain significance. Last evaluated: 2025-10-02. Review status: criteria provided, single submitter. Criteria: DASA Assertion Criteria. Collection method: clinical testing. Allele origin: germline.
Comment: NM_198503.5(KCNT2):c.913T>A (p.Cys305Ser) is a missense variant that results in the substitution of cysteine with serine. This variant is absent from population databases. Computational prediction algorithms are consistent with a deleterious effect. The currently available literature and clinical evidence are not sufficient to establish a definitive association between this variant and the reported condition. Therefore, this variant is classified as a variant of uncertain significance.

NM_198503.5(KCNT2):c.913T>A (p.Cys305Ser)

Gene: KCNT2 (potassium sodium-activated channel subfamily T member 2; minus strand). Cytogenetic location: 1q31.3.
Variant type: single nucleotide variant.
Coding change: c.913T>A on transcript NM_198503.5 (MANE Select); coding-DNA position 913, T replaced by A.
Protein change: p.Cys305Ser; replaces cysteine 305 with serine.
Molecular consequence: missense variant. On other transcripts: non-coding transcript variant (2).
Genome position (GRCh38, 1-based): chr1:196,428,176, A>T on the plus strand (T>A on the coding strand, the complement: KCNT2 is on the minus strand). VCF-style: chr1-196428176-A-T. GRCh37 (hg19) VCF-style: chr1-196397306-A-T.
Other names: c.913T>A, p.Cys305Ser (NM_001287819.3, NM_001287820.3); short protein forms C305S.
Identifiers: ClinVar variation 5020845 (VCV005020845.1).